The following is an entry in ClinVar:

NM_021020.5(LZTS1):c.1036C>G (p.Arg346Gly)

Gene: LZTS1 (leucine zipper tumor suppressor 1; minus strand). Cytogenetic location: 8p21.3.
Variant type: single nucleotide variant.
Coding change: c.1036C>G on transcript NM_021020.5 (MANE Select); coding-DNA position 1036, C replaced by G.
Protein change: p.Arg346Gly; replaces arginine 346 with glycine.
Molecular consequence: missense variant.
Genome position (GRCh38, 1-based): chr8:20,252,895, G>C on the plus strand (C>G on the coding strand, the complement: LZTS1 is on the minus strand). VCF-style: chr8-20252895-G-C. GRCh37 (hg19) VCF-style: chr8-20110406-G-C.
Other names: c.1036C>G, p.Arg346Gly (NM_001362884.2); c.1036C>G (NM_021020.3); short protein forms R346G.
Identifiers: ClinVar variation 1551692 (VCV001551692.10), dbSNP rs148775156, ClinGen allele CA4657379.

ClinVar aggregate classification (germline): Likely benign. Review status: criteria provided, multiple submitters, no conflicts (2 of 4 stars). 3 submissions from 3 submitters: Likely benign (2). 1 of the submissions does not count toward it. Last evaluated 2026-01-27.

Conditions:
LZTS1-related disorder. Also called: LZTS1-related condition.

Allele frequency attached by ClinVar (database versions not stated): 1000 Genomes Project 30x 0.00203; 1000 Genomes Project 0.00140; ESP Exome Variant Server 0.00154.
gnomAD v4.1: 2,700 of 1,610,516 alleles (0.17%); highest among the groups gnomAD compares: Admixed American, 0.3%; 6 homozygotes.

Submissions (3):

Labcorp Genetics (formerly Invitae), Labcorp
Classification: Likely benign. Last evaluated: 2026-01-27. Review status: criteria provided, single submitter. Criteria: Invitae Variant Classification Sherloc (09022015). Collection method: clinical testing. Allele origin: germline.

Breakthrough Genomics
Classification: Likely benign. Review status: criteria provided, single submitter. Criteria: ACMG Guidelines, 2015. Collection method: not provided. Allele origin: germline. Inheritance: Autosomal dominant inheritance. Affected: yes.

PreventionGenetics, part of Exact Sciences
Classification: Likely benign for LZTS1-related condition. Last evaluated: 2022-06-15. Review status: no assertion criteria provided. Collection method: clinical testing. Allele origin: germline. Not counted in ClinVar's aggregate classification.
Comment: This variant is classified as likely benign based on ACMG/AMP sequence variant interpretation guidelines (Richards et al. 2015 PMID: 25741868, with internal and published modifications).